The following is an entry in ClinVar:

ClinVar aggregate classification (germline): Uncertain significance. Review status: criteria provided, multiple submitters, no conflicts (2 of 4 stars). 3 submissions from 3 submitters: Uncertain significance (3). Last evaluated 2025-11-28.

Conditions:
Kilquist syndrome (KILQS). Also called: SLC12A2-related autosomal recessive neonatal-developmental delay-intellectual disability-feeding difficulty-sensorineural deafness syndrome. Identifiers: Orphanet 633021, MedGen C5436756, MONDO:0033664, OMIM 619080.
Hearing loss, autosomal dominant 78. Also called: DEAFNESS, AUTOSOMAL DOMINANT 78. Identifiers: MedGen C5436768, MONDO:0033665, OMIM 619081.
Delpire-McNeill syndrome. Also called: SLC12A2-related autosomal dominant infantile-developmental delay-intellectual disability-sensorineural deafness syndrome. Identifiers: Orphanet 633024, MedGen C5436771, MONDO:0033667, OMIM 619083.

Allele frequency attached by ClinVar (database versions not stated): TOPMed 0.00003.
gnomAD v4.1: 20 of 1,613,942 alleles (0.0012%); highest among the groups gnomAD compares: Admixed American, 0.033%; no homozygotes.

Submissions (3):

Labcorp Genetics (formerly Invitae), Labcorp
Classification: Uncertain significance. Last evaluated: 2025-11-28. Review status: criteria provided, single submitter. Criteria: Invitae Variant Classification Sherloc (09022015). Collection method: clinical testing. Allele origin: germline.
Comment: This sequence change replaces leucine, which is neutral and non-polar, with valine, which is neutral and non-polar, at codon 1208 of the SLC12A2 protein (p.Leu1208Val). This variant is present in population databases (rs761150347, gnomAD 0.05%). This variant has not been reported in the literature in individuals affected with SLC12A2-related conditions. ClinVar contains an entry for this variant (Variation ID: 1373721). Invitae Evidence Modeling of protein sequence and biophysical properties (such as structural, functional, and spatial information, amino acid conservation, physicochemical variation, residue mobility, and thermodynamic stability) indicates that this missense variant is expected to disrupt SLC12A2 protein function with a positive predictive value of 80%. In summary, the available evidence is currently insufficient to determine the role of this variant in disease. Therefore, it has been classified as a Variant of Uncertain Significance.

GeneDx
Classification: Uncertain significance. Last evaluated: 2024-05-17. Review status: criteria provided, single submitter. Criteria: GeneDx Variant Classification Process June 2021. Collection method: clinical testing. Allele origin: germline. Affected: yes.
Comment: In silico analysis indicates that this missense variant does not alter protein structure/function; Has not been previously published as pathogenic or benign to our knowledge

Fulgent Genetics
Classification: Uncertain significance for Kilquist syndrome; Hearing loss, autosomal dominant 78; Delpire-McNeill syndrome. Last evaluated: 2022-04-29. Review status: criteria provided, single submitter. Criteria: ACMG Guidelines, 2015. Collection method: clinical testing. Allele origin: unknown.

NM_001046.3(SLC12A2):c.3622C>G (p.Leu1208Val)

Gene: SLC12A2 (solute carrier family 12 member 2; plus strand). Cytogenetic location: 5q23.3.
Variant type: single nucleotide variant.
Coding change: c.3622C>G on transcript NM_001046.3 (MANE Select); coding-DNA position 3622, C replaced by G.
Protein change: p.Leu1208Val; replaces leucine 1208 with valine.
Molecular consequence: missense variant. On other transcripts: non-coding transcript variant (1).
Genome position (GRCh38, 1-based): chr5:128,186,614, C>G. VCF-style: chr5-128186614-C-G. GRCh37 (hg19) VCF-style: chr5-127522306-C-G.
Other names: c.3574C>G, p.Leu1192Val (NM_001256461.2); c.3622C>G (NM_001046.2); short protein forms L1192V, L1208V.
Identifiers: ClinVar variation 1373721 (VCV001373721.10), dbSNP rs761150347, ClinGen allele CA3393744.